The following is an entry in ClinVar:

ClinVar aggregate classification (germline): Benign/Likely benign. Review status: criteria provided, multiple submitters, no conflicts (2 of 4 stars). 3 submissions from 3 submitters: Benign (2); Likely benign (1). Last evaluated 2025-07-23.

Conditions:
Spastic paraplegia. Identifiers: MedGen C0037772, HP:0001258.

Allele frequency attached by ClinVar (database versions not stated): gnomAD exomes 0.00008 and 0.00048; gnomAD 0.00020 and 0.00026; TOPMed 0.00026; ExAC 0.00049; 1000 Genomes Project 30x 0.00141; 1000 Genomes Project 0.00180.

Submissions (3):

Labcorp Genetics (formerly Invitae), Labcorp
Classification: Benign for Spastic paraplegia. Last evaluated: 2025-07-23. Review status: criteria provided, single submitter. Criteria: Invitae Variant Classification Sherloc (09022015). Collection method: clinical testing. Allele origin: germline.

GeneDx
Classification: Likely benign. Last evaluated: 2020-12-03. Review status: criteria provided, single submitter. Criteria: GeneDx Variant Classification Process June 2021. Collection method: clinical testing. Allele origin: germline. Affected: yes.
Comment: This variant is associated with the following publications: (PMID: 31227335)

Athena Diagnostics
Classification: Benign. Last evaluated: 2016-11-21. Review status: criteria provided, single submitter. Criteria: Athena Diagnostics Criteria. Collection method: clinical testing. Allele origin: germline.

NM_004733.4(SLC33A1):c.847G>A (p.Glu283Lys)

Gene: SLC33A1 (solute carrier family 33 member 1; minus strand). Cytogenetic location: 3q25.31.
Variant type: single nucleotide variant.
Coding change: c.847G>A on transcript NM_004733.4 (MANE Select); coding-DNA position 847, G replaced by A.
Protein change: p.Glu283Lys; replaces glutamic acid 283 with lysine.
Molecular consequence: missense variant. On other transcripts: intron variant (1).
Genome position (GRCh38, 1-based): chr3:155,842,548, C>T on the plus strand (G>A on the coding strand, the complement: SLC33A1 is on the minus strand). VCF-style: chr3-155842548-C-T. GRCh37 (hg19) VCF-style: chr3-155560337-C-T.
Other names: c.847G>A, p.Glu283Lys (NM_001190992.2); c.776-8507G>A (NM_001363883.1); short protein forms E283K.
Identifiers: ClinVar variation 448412 (VCV000448412.11), dbSNP rs200789237, ClinGen allele CA2677360.